The following is an entry in ClinVar:

ClinVar aggregate classification (germline): Uncertain significance (1 of 4 stars; one submission).

Conditions:
Hereditary cancer-predisposing syndrome. Also called: Neoplastic Syndromes, Hereditary; Tumor predisposition; Hereditary Cancer Syndrome; Hereditary neoplastic syndrome. Identifiers: Orphanet 140162, MedGen C0027672, MeSH D009386, MONDO:0015356.

Submission:

Ambry Genetics
Classification: Uncertain significance for Hereditary cancer-predisposing syndrome. Last evaluated: 2020-08-24. Review status: criteria provided, single submitter. Criteria: Ambry Variant Classification Scheme 2023. Collection method: clinical testing. Allele origin: germline.
Comment: The p.G62E variant (also known as c.185G>A), located in coding exon 3 of the PMS2 gene, results from a G to A substitution at nucleotide position 185. The glycine at codon 62 is replaced by glutamic acid, an amino acid with similar properties. This amino acid position is highly conserved in available vertebrate species. In addition, this alteration is predicted to be deleterious by in silico analysis. Since supporting evidence is limited at this time, the clinical significance of this alteration remains unclear.

NM_000535.7(PMS2):c.185G>A (p.Gly62Glu)

Gene: PMS2 (PMS1 homolog 2, mismatch repair system component; minus strand). Cytogenetic location: 7p22.1.
Variant type: single nucleotide variant.
Coding change: c.185G>A on transcript NM_000535.7 (MANE Select); coding-DNA position 185, G replaced by A.
Protein change: p.Gly62Glu; replaces glycine 62 with glutamic acid.
Molecular consequence: missense variant. On other transcripts: 5 prime UTR variant (11), non-coding transcript variant (1).
Genome position (GRCh38, 1-based): chr7:6,004,037, C>T on the plus strand (G>A on the coding strand, the complement: PMS2 is on the minus strand). VCF-style: chr7-6004037-C-T. GRCh37 (hg19) VCF-style: chr7-6043668-C-T.
Other names: c.185G>A, p.Gly62Glu (NM_001406884.1, NM_001322006.2, NM_001322014.2 and 10 more transcripts); c.-31G>A (NM_001406876.1, NM_001406883.1, NM_001322007.2 and 4 more transcripts); c.-300G>A (NM_001406879.1, NM_001406882.1, NM_001406877.1 and 3 more transcripts); c.-247G>A (NM_001406880.1); c.-197G>A (NM_001406881.1, NM_001406900.1); c.-221G>A (NM_001018040.1, NM_001322003.2, NM_001322004.2 and 14 more transcripts); c.-700G>A (NM_001322011.2, NM_001322012.2); c.371G>A, p.Gly124Glu (NM_001406866.1); and 2 more; short protein forms G62E, G124E.
Identifiers: ClinVar variation 1781479 (VCV001781479.2), dbSNP rs2128830403, ClinGen allele CA366744893.